The following is an entry in ClinVar:

ClinVar aggregate classification (germline): Uncertain significance (1 of 4 stars; one submission).

Conditions:
Snijders Blok-Campeau syndrome. Also called: INTELLECTUAL DEVELOPMENTAL DISORDER WITH MACROCEPHALY, SPEECH DELAY, AND DYSMORPHIC FACIES. Identifiers: Orphanet 599082, MedGen C4748701, MONDO:0032600, OMIM 618205.

Submission:

OLLIN Analises Genomicas, OLLIN
Classification: Uncertain significance for Snijders Blok-Campeau syndrome. Last evaluated: 2026-08-06. Review status: criteria provided, single submitter. Criteria: ACMG Guidelines 2015 PMID 25741868. Collection method: clinical testing. Allele origin: germline. Inheritance: Autosomal dominant inheritance.
Comment: This missense variant, located in exon 30 (of 40), is absent from gnomAD and ClinVar and has not been identified in the literature. In silico analysis predicts that this variant has a deleterious effect. This gene is constrained for missense variation. According to the currently available evidence, this variant has been classified as uncertain significance (PM2_P, PP2, PP3_M).

NM_001005273.3(CHD3):c.4508A>G (p.Gln1503Arg)

Gene: CHD3 (chromodomain helicase DNA binding protein 3; plus strand). Cytogenetic location: 17p13.1.
Variant type: single nucleotide variant.
Coding change: c.4508A>G on transcript NM_001005273.3 (MANE Select); coding-DNA position 4508, A replaced by G.
Protein change: p.Gln1503Arg; replaces glutamine 1503 with arginine.
Molecular consequence: missense variant.
Genome position (GRCh38, 1-based): chr17:7,906,873, A>G. VCF-style: chr17-7906873-A-G. GRCh37 (hg19) VCF-style: chr17-7810191-A-G.
Other names: c.4685A>G, p.Gln1562Arg (NM_001005271.3, NM_001437504.1); c.4673A>G, p.Gln1558Arg (NM_001437507.1, NM_001437508.1, NM_001437509.1); c.4508A>G, p.Gln1503Arg (NM_005852.4); short protein forms Q1562R, Q1503R, Q1558R.
Identifiers: ClinVar variation 5002664 (VCV005002664.1).